The following is an entry in ClinVar:

ClinVar aggregate classification (germline): Uncertain significance (1 of 4 stars; one submission).

gnomAD v4.1: 7 of 1,614,036 alleles (0.00043%); highest among the groups gnomAD compares: Non-Finnish European, 0.00059%; no homozygotes.

Submission:

Labcorp Genetics (formerly Invitae), Labcorp
Classification: Uncertain significance. Last evaluated: 2023-12-18. Review status: criteria provided, single submitter. Criteria: Invitae Variant Classification Sherloc (09022015). Collection method: clinical testing. Allele origin: germline.
Comment: This sequence change replaces valine, which is neutral and non-polar, with isoleucine, which is neutral and non-polar, at codon 74 of the FOCAD protein (p.Val74Ile). This variant is not present in population databases (gnomAD no frequency). This variant has not been reported in the literature in individuals affected with FOCAD-related conditions. Experimental studies and prediction algorithms are not available or were not evaluated, and the functional significance of this variant is currently unknown. In summary, the available evidence is currently insufficient to determine the role of this variant in disease. Therefore, it has been classified as a Variant of Uncertain Significance.

NM_001375567.1(FOCAD):c.220G>A (p.Val74Ile)

Gene: FOCAD (focadhesin; plus strand). Cytogenetic location: 9p21.3.
Variant type: single nucleotide variant.
Coding change: c.220G>A on transcript NM_001375567.1 (MANE Select); coding-DNA position 220, G replaced by A.
Protein change: p.Val74Ile; replaces valine 74 with isoleucine.
Molecular consequence: missense variant.
Genome position (GRCh38, 1-based): chr9:20,720,467, G>A. VCF-style: chr9-20720467-G-A. GRCh37 (hg19) VCF-style: chr9-20720466-G-A.
Other names: c.220G>A, p.Val74Ile (NM_001375568.1, NM_001375570.1, NM_017794.5); short protein forms V74I.
Identifiers: ClinVar variation 2703863 (VCV002703863.3), dbSNP rs2489181411, ClinGen allele CA373044709.